The following is an entry in ClinVar:

NM_032578.4(MYPN):c.1973+171G>T

Gene: MYPN (myopalladin; plus strand). Cytogenetic location: 10q21.3.
Variant type: single nucleotide variant.
Coding change: c.1973+171G>T on transcript NM_032578.4 (MANE Select); 171 bases into the intron after coding-DNA position 1973, G replaced by T.
Molecular consequence: intron variant.
Genome position (GRCh38, 1-based): chr10:68,166,837, G>T. VCF-style: chr10-68166837-G-T. GRCh37 (hg19) VCF-style: chr10-69926594-G-T.
Other names: c.1973+171G>T (NM_001256267.2); c.1091+171G>T (NM_001256268.2).
Identifiers: ClinVar variation 672833 (VCV000672833.1), dbSNP rs7905579, ClinGen allele CA13193303.
Genomic context (GRCh38, chr10:68,166,837, plus strand): 5'-CGAGCACTTTGGGAGGCTGAGGCAGGAGGATCGCTTGAGCCCAGGAATTCGAGACCAGCC[G>T]GGGAAAAATAGTGAGACCTCTGTCTCTAAAAGAAAAATTTTAAAGTAAAAAAATTAGCAG-3'

ClinVar aggregate classification (germline): Benign (1 of 4 stars; one submission).

Allele frequency attached by ClinVar (database versions not stated): 1000 Genomes Project 30x 0.31621; 1000 Genomes Project 0.31829; TOPMed 0.37629.
gnomAD v4.1: 60,453 of 151,536 alleles (40%); highest among the groups gnomAD compares: Non-Finnish European, 52%; 13,766 homozygotes.

Submission:

GeneDx
Classification: Benign. Last evaluated: 2018-06-14. Review status: criteria provided, single submitter. Criteria: GeneDx Variant Classification (06012015). Collection method: clinical testing. Allele origin: germline. Affected: yes.
Comment: This variant is considered likely benign or benign based on one or more of the following criteria: it is a conservative change, it occurs at a poorly conserved position in the protein, it is predicted to be benign by multiple in silico algorithms, and/or has population frequency not consistent with disease.